The following is an entry in ClinVar:

ClinVar aggregate classification (germline): Benign (1 of 4 stars; one submission).

Submission:

CeGaT Center for Human Genetics Tuebingen
Classification: Benign. Last evaluated: 2026-06-01. Review status: criteria provided, single submitter. Criteria: CeGaT Center For Human Genetics Tuebingen Variant Classification Criteria Version 2. Collection method: clinical testing. Allele origin: germline. Affected: yes. Observed: 6 variant alleles.
Comment: CITED2: BS1, BS2

NC_000006.12:g.139374714G>A

Genes: CITED2 (Cbp/p300 interacting transactivator with ED-rich tail 2; minus strand), LOC129997311 (ATAC-STARR-seq lymphoblastoid silent region 17611; plus strand). Cytogenetic location: 6q24.1.
Variant type: single nucleotide variant.
Genome position: GRCh38 VCF-style: chr6-139374714-G-A. GRCh37 (hg19) VCF-style: chr6-139695851-G-A.
Identifiers: ClinVar variation 4083830 (VCV004083830.8).